The following is an entry in ClinVar:

NM_004304.5(ALK):c.3172+6T>C

Gene: ALK (ALK receptor tyrosine kinase; minus strand). Cytogenetic location: 2p23.2.
Variant type: single nucleotide variant.
Coding change: c.3172+6T>C on transcript NM_004304.5 (MANE Select); 6 bases into the intron after coding-DNA position 3172, T replaced by C.
Molecular consequence: intron variant.
Genome position (GRCh38, 1-based): chr2:29,225,455, A>G on the plus strand (T>C on the coding strand, the complement: ALK is on the minus strand). VCF-style: chr2-29225455-A-G. GRCh37 (hg19) VCF-style: chr2-29448321-A-G.
Identifiers: ClinVar variation 1504290 (VCV001504290.6), dbSNP rs2148176274, ClinGen allele CA2573134555.

ClinVar aggregate classification (germline): Uncertain significance (1 of 4 stars; one submission).

Conditions:
Neuroblastoma, susceptibility to, 3. Also called: ALK-Related Neuroblastic Tumor Susceptibility. Identifiers: Orphanet 635, MedGen C2751681, MONDO:0013083, OMIM 613014.

Submission:

Labcorp Genetics (formerly Invitae), Labcorp
Classification: Uncertain significance for Neuroblastoma, susceptibility to, 3. Last evaluated: 2021-11-17. Review status: criteria provided, single submitter. Criteria: Invitae Variant Classification Sherloc (09022015). Collection method: clinical testing. Allele origin: germline.
Comment: In summary, the available evidence is currently insufficient to determine the role of this variant in disease. Therefore, it has been classified as a Variant of Uncertain Significance. Variants that disrupt the consensus splice site are a relatively common cause of aberrant splicing (PMID: 17576681, 9536098). Algorithms developed to predict the effect of sequence changes on RNA splicing suggest that this variant may disrupt the consensus splice site. This variant has not been reported in the literature in individuals affected with ALK-related conditions. This variant is not present in population databases (gnomAD no frequency). This sequence change falls in intron 19 of the ALK gene. It does not directly change the encoded amino acid sequence of the ALK protein. It affects a nucleotide within the consensus splice site.

Literature cited by the submitters: PubMed 17576681; PubMed 9536098.